The following is an entry in ClinVar:

NM_004082.5(DCTN1):c.3542C>T (p.Pro1181Leu)

Gene: DCTN1 (dynactin subunit 1; minus strand). Cytogenetic location: 2p13.1.
Variant type: single nucleotide variant.
Coding change: c.3542C>T on transcript NM_004082.5 (MANE Select); coding-DNA position 3542, C replaced by T.
Protein change: p.Pro1181Leu; replaces proline 1181 with leucine.
Molecular consequence: missense variant. On other transcripts: non-coding transcript variant (1).
Genome position (GRCh38, 1-based): chr2:74,362,717, G>A on the plus strand (C>T on the coding strand, the complement: DCTN1 is on the minus strand). VCF-style: chr2-74362717-G-A. GRCh37 (hg19) VCF-style: chr2-74589844-G-A.
Other names: c.3467C>T, p.Pro1156Leu (NM_001135040.3); c.3125C>T, p.Pro1042Leu (NM_001135041.3); c.3416C>T, p.Pro1139Leu (NM_001190836.2); c.3521C>T, p.Pro1174Leu (NM_001190837.2); c.3491C>T, p.Pro1164Leu (NM_001378991.1); c.3473C>T, p.Pro1158Leu (NM_001378992.1); c.3140C>T, p.Pro1047Leu (NM_023019.4); short protein forms P1047L, P1158L, P1174L, P1139L, P1156L, P1181L, P1042L, P1164L.
Identifiers: ClinVar variation 936348 (VCV000936348.14), dbSNP rs1403208705, ClinGen allele CA347336931.
Genomic context (GRCh38, chr2:74,362,717, plus strand): 5'-TTCTCGACGGTGTCACTCAGGGACTTAAGCTGAGCCACTTGCTCCATAAGTTGGGCCGAC[G>A]GGCTCTTGGCAGCTGTGGGGAGAGAAAGCTGGTGAGGCCCACCAAGGCGCAGGCAGGCAG-3'
Protein context (NP_004073.2, residues 1171-1191): ITRTSPAAKS[Pro1181Leu]SAQLMEQVAQ

ClinVar aggregate classification (germline): Uncertain significance. Review status: criteria provided, multiple submitters, no conflicts (2 of 4 stars). 4 submissions from 4 submitters: Uncertain significance (4). Last evaluated 2026-06-15.

Conditions:
Inborn genetic diseases. Identifiers: MedGen C0950123, MeSH D030342.
Amyotrophic lateral sclerosis type 1 (ALS1). Also called: AMYOTROPHIC LATERAL SCLEROSIS 1, FAMILIAL. Identifiers: Orphanet 803, MedGen C1862939, MONDO:0007103, OMIM 105400.
Neuronopathy, distal hereditary motor, type 7B. Also called: NEUROPATHY, DISTAL HEREDITARY MOTOR, HARDING TYPE VIIB; Distal Hereditary Motor Neuronopathy Type 7B (dHMN7B); HMN VIIB; LOWER MOTOR NEURON DISEASE, DYNACTIN TYPE; NEUROPATHY, DISTAL HEREDITARY MOTOR, WITH VOCAL CORD PARALYSIS, HARDING TYPE VIIB; NEURONOPATHY, DISTAL HEREDITARY MOTOR, AUTOSOMAL DOMINANT 14. Identifiers: Orphanet 139589, MedGen C1843315, MONDO:0011879, OMIM 607641.
Perry syndrome. Also called: PARKINSONISM WITH ALVEOLAR HYPOVENTILATION AND MENTAL DEPRESSION. Identifiers: Orphanet 178509, MedGen C1868594, MONDO:0008201, OMIM 168605.

Allele frequency attached by ClinVar (database versions not stated): gnomAD exomes below 0.00001 and 0.00001.
gnomAD v4.1: 17 of 1,613,926 alleles (0.0011%); highest among the groups gnomAD compares: Non-Finnish European, 0.0014%; no homozygotes.

Submissions (4):

Women's Health and Genetics/Laboratory Corporation of America, LabCorp
Classification: Uncertain significance. Last evaluated: 2026-06-15. Review status: criteria provided, single submitter. Criteria: LabCorp Variant Classification Summary - May 2015. Collection method: clinical testing. Allele origin: germline.
Comment: Variant summary: DCTN1 c.3542C>T (p.Pro1181Leu) results in a non-conservative amino acid change in the encoded protein sequence. Algorithms developed to predict the effect of missense changes on protein structure and function are either unavailable or do not agree on the potential impact of this missense change. The variant allele was found at a frequency of 4e-06 in 250940 control chromosomes. The available data on variant occurrences in the general population are insufficient to allow any conclusion about variant significance. To our knowledge, no occurrence of c.3542C>T in individuals affected with DCTN1-related conditions and no experimental evidence demonstrating its impact on protein function have been reported. ClinVar contains an entry for this variant (Variation ID: 936348). Based on the evidence outlined above, the variant was classified as uncertain significance.

Labcorp Genetics (formerly Invitae), Labcorp
Classification: Uncertain significance for Amyotrophic lateral sclerosis type 1; Neuronopathy, distal hereditary motor, type 7B; Perry syndrome. Last evaluated: 2023-07-25. Review status: criteria provided, single submitter. Criteria: Invitae Variant Classification Sherloc (09022015). Collection method: clinical testing. Allele origin: germline.
Comment: In summary, the available evidence is currently insufficient to determine the role of this variant in disease. Therefore, it has been classified as a Variant of Uncertain Significance. Advanced modeling of protein sequence and biophysical properties (such as structural, functional, and spatial information, amino acid conservation, physicochemical variation, residue mobility, and thermodynamic stability) performed at Invitae indicates that this missense variant is not expected to disrupt DCTN1 protein function. ClinVar contains an entry for this variant (Variation ID: 936348). This variant has not been reported in the literature in individuals affected with DCTN1-related conditions. This variant is present in population databases (no rsID available, gnomAD 0.0009%). This sequence change replaces proline, which is neutral and non-polar, with leucine, which is neutral and non-polar, at codon 1181 of the DCTN1 protein (p.Pro1181Leu).

Blueprint Genetics
Classification: Uncertain significance. Last evaluated: 2023-04-21. Review status: criteria provided, single submitter. Criteria: ACMG Guidelines, 2015. Collection method: clinical testing. Allele origin: germline.

Ambry Genetics
Classification: Uncertain significance for Inborn genetic diseases. Last evaluated: 2022-08-15. Review status: criteria provided, single submitter. Criteria: Ambry Variant Classification Scheme 2023. Collection method: clinical testing. Allele origin: germline.
Comment: The p.P1181L variant (also known as c.3542C>T), located in coding exon 30 of the DCTN1 gene, results from a C to T substitution at nucleotide position 3542. The proline at codon 1181 is replaced by leucine, an amino acid with similar properties. This amino acid position is conserved. In addition, the in silico prediction for this alteration is inconclusive. Since supporting evidence is limited at this time, the clinical significance of this alteration remains unclear.